The following is an entry in ClinVar:

NM_001742.4(CALCR):c.-6T>C

Gene: CALCR (calcitonin receptor; minus strand). Cytogenetic location: 7q21.3.
Variant type: single nucleotide variant.
Coding change: c.-6T>C on transcript NM_001742.4 (MANE Select); 6 bases upstream of the start codon, T replaced by C.
Molecular consequence: 5 prime UTR variant.
Genome position (GRCh38, 1-based): chr7:93,486,987, A>G on the plus strand (T>C on the coding strand, the complement: CALCR is on the minus strand). VCF-style: chr7-93486987-A-G. GRCh37 (hg19) VCF-style: chr7-93116299-A-G.
Other names: c.-6T>C (NM_001164737.3, NM_001164738.2); c.49T>C (NM_001164737.1).
Identifiers: ClinVar variation 1274950 (VCV001274950.4), dbSNP rs2301680, ClinGen allele CA4345788.
Genomic context (GRCh38, chr7:93,486,987, plus strand): 5'-TTACATTTAGAAGAAGAAACAGTGCCAAGCACCGGCTTGTAAATGTGAACCTCATTTTTG[A>G]TTTTTGAAGATCTCTTTGTCCTAGAAAAATATAAAAGCAACAAAGACTAAAATTAATATA-3'

ClinVar aggregate classification (germline): Benign. Review status: criteria provided, multiple submitters, no conflicts (2 of 4 stars). 3 submissions from 3 submitters: Benign (2). 1 of the submissions does not count toward it. Last evaluated 2019-04-20.

Conditions:
CALCR-related disorder. Also called: CALCR-related condition.

Allele frequency attached by ClinVar (database versions not stated): gnomAD exomes 0.50262; ExAC 0.51766; gnomAD 0.52716; TOPMed 0.52829; ESP Exome Variant Server 0.53976; 1000 Genomes Project 30x 0.56855; 1000 Genomes Project 0.57568.
gnomAD v4.1: 801,591 of 1,585,456 alleles (51%); highest among the groups gnomAD compares: East Asian, 68%; 205,725 homozygotes.

Submissions (3):

GeneDx
Classification: Benign. Last evaluated: 2019-04-20. Review status: criteria provided, single submitter. Criteria: GeneDx Variant Classification Process June 2021. Collection method: clinical testing. Allele origin: germline. Affected: yes.
Comment: This variant is associated with the following publications: (PMID: 30389748)

Breakthrough Genomics
Classification: Benign. Review status: criteria provided, single submitter. Criteria: ACMG Guidelines, 2015. Collection method: not provided. Allele origin: germline. Inheritance: Autosomal dominant inheritance. Affected: yes.

PreventionGenetics, part of Exact Sciences
Classification: Benign for CALCR-related condition. Last evaluated: 2019-10-21. Review status: no assertion criteria provided. Collection method: clinical testing. Allele origin: germline. Not counted in ClinVar's aggregate classification.
Comment: This variant is classified as benign based on ACMG/AMP sequence variant interpretation guidelines (Richards et al. 2015 PMID: 25741868, with internal and published modifications).